The following is an entry in ClinVar:

NM_133433.4(NIPBL):c.5681G>A (p.Arg1894His)

Gene: NIPBL (NIPBL cohesin loading factor; plus strand). Cytogenetic location: 5p13.2.
Variant type: single nucleotide variant.
Coding change: c.5681G>A on transcript NM_133433.4 (MANE Select); coding-DNA position 5681, G replaced by A.
Protein change: p.Arg1894His; replaces arginine 1894 with histidine.
Molecular consequence: missense variant.
Genome position (GRCh38, 1-based): chr5:37,024,691, G>A. VCF-style: chr5-37024691-G-A. GRCh37 (hg19) VCF-style: chr5-37024793-G-A.
Other names: c.5681G>A, p.Arg1894His (NM_001438586.1, NM_015384.5); short protein forms R1894H.
Identifiers: ClinVar variation 4532341 (VCV004532341.2).
Genomic context (GRCh38, chr5:37,024,691, plus strand): 5'-ACATTTGTATTGAACAACCAACATTTCCAAAAATCACAGAAATGTGTGTAAAAATGATTC[G>A]CAGAGTCAATGATGAAGAGGGCATTAAGGTAGTGTTGACTGTTTTAAATTTATTTTTCAT-3'
Protein context (NP_597677.2, residues 1884-1904): KITEMCVKMI[Arg1894His]RVNDEEGIKK

ClinVar aggregate classification (germline): Conflicting classifications of pathogenicity. Review status: criteria provided, conflicting classifications (1 of 4 stars). 2 submissions from 2 submitters: Likely pathogenic (1); Uncertain significance (1). Last evaluated 2025-05-27.

Conditions:
NIPBL-related disorder. Also called: NIPBL-related condition.

Submissions (2):

GeneDx
Classification: Uncertain significance. Last evaluated: 2025-05-27. Review status: criteria provided, single submitter. Criteria: GeneDx Variant Classification Process June 2021. Collection method: clinical testing. Allele origin: germline. Affected: yes.
Comment: Not observed at significant frequency in large population cohorts (gnomAD); In silico analysis supports that this missense variant has a deleterious effect on protein structure/function; Has not been previously published as pathogenic or benign to our knowledge

Blueprint Genetics
Classification: Likely pathogenic for NIPBL-related disorders. Last evaluated: 2021-12-09. Review status: criteria provided, single submitter. Criteria: ACMG Guidelines, 2015. Collection method: clinical testing. Allele origin: de novo. Affected: yes. Observed: 1 variant allele.